The following is an entry in ClinVar:

NM_001243279.3(ACSF3):c.414C>G (p.Ile138Met)

Gene: ACSF3 (acyl-CoA synthetase family member 3; plus strand). Cytogenetic location: 16q24.3.
Variant type: single nucleotide variant.
Coding change: c.414C>G on transcript NM_001243279.3 (MANE Select); coding-DNA position 414, C replaced by G.
Protein change: p.Ile138Met; replaces isoleucine 138 with methionine.
Molecular consequence: missense variant. On other transcripts: non-coding transcript variant (3), intron variant (1).
Genome position (GRCh38, 1-based): chr16:89,101,095, C>G. VCF-style: chr16-89101095-C-G. GRCh37 (hg19) VCF-style: chr16-89167503-C-G.
Other names: c.414C>G, p.Ile138Met (NM_001127214.4, NM_174917.5); c.-129-1509C>G (NM_001284316.2); short protein forms I138M.
Identifiers: ClinVar variation 2158193 (VCV002158193.1), dbSNP rs568882749, ClinGen allele CA8237647.

ClinVar aggregate classification (germline): Uncertain significance (1 of 4 stars; one submission).

Conditions:
Combined malonic and methylmalonic acidemia. Identifiers: Orphanet 289504, MedGen C3280314, MONDO:0013661, OMIM 614265.

Allele frequency attached by ClinVar (database versions not stated): gnomAD exomes 0.00002; 1000 Genomes Project 30x 0.00016; 1000 Genomes Project 0.00020.
gnomAD v4.1: 17 of 1,614,128 alleles (0.0011%); highest among the groups gnomAD compares: Admixed American, 0.0033%; no homozygotes.

Submission:

Labcorp Genetics (formerly Invitae), Labcorp
Classification: Uncertain significance for Combined malonic and methylmalonic acidemia. Last evaluated: 2022-10-13. Review status: criteria provided, single submitter. Criteria: Invitae Variant Classification Sherloc (09022015). Collection method: clinical testing. Allele origin: germline.
Comment: This sequence change replaces isoleucine, which is neutral and non-polar, with methionine, which is neutral and non-polar, at codon 138 of the ACSF3 protein (p.Ile138Met). This variant is present in population databases (rs568882749, gnomAD 0.006%). This variant has not been reported in the literature in individuals affected with ACSF3-related conditions. Advanced modeling of protein sequence and biophysical properties (such as structural, functional, and spatial information, amino acid conservation, physicochemical variation, residue mobility, and thermodynamic stability) has been performed at Invitae for this missense variant, however the output from this modeling did not meet the statistical confidence thresholds required to predict the impact of this variant on ACSF3 protein function. In summary, the available evidence is currently insufficient to determine the role of this variant in disease. Therefore, it has been classified as a Variant of Uncertain Significance.